The following is an entry in ClinVar:

NM_004380.3(CREBBP):c.4675G>C (p.Glu1559Gln)

Gene: CREBBP (CREB binding protein; minus strand). Cytogenetic location: 16p13.3.
Variant type: single nucleotide variant.
Coding change: c.4675G>C on transcript NM_004380.3 (MANE Select); coding-DNA position 4675, G replaced by C.
Protein change: p.Glu1559Gln; replaces glutamic acid 1559 with glutamine.
Molecular consequence: missense variant.
Genome position (GRCh38, 1-based): chr16:3,736,089, C>G on the plus strand (G>C on the coding strand, the complement: CREBBP is on the minus strand). VCF-style: chr16-3736089-C-G. GRCh37 (hg19) VCF-style: chr16-3786090-C-G.
Other names: c.4561G>C, p.Glu1521Gln (NM_001079846.1); short protein forms E1521Q, E1559Q.
Identifiers: ClinVar variation 1314121 (VCV001314121.2), dbSNP rs2151327729, ClinGen allele CA394562225.
Genomic context (GRCh38, chr16:3,736,089, plus strand): 5'-TCTGTACCTCAGTGGTTTCACTGGCTGCAGTGCTCTCTTCCTTTTTCCTCTCCTCTTCTT[C>G]TTGTTCTAGTTCCTTAATGCTCTCTTCTAACACATTGGGCCAGAAATCACCTTCAAAATA-3'
Protein context (NP_004371.2, residues 1549-1569): LEESIKELEQ[Glu1559Gln]EEERKKEEST

ClinVar aggregate classification (germline): Uncertain significance (1 of 4 stars; one submission).

Submission:

GeneDx
Classification: Uncertain significance. Last evaluated: 2021-02-16. Review status: criteria provided, single submitter. Criteria: GeneDx Variant Classification Process June 2021. Collection method: clinical testing. Allele origin: germline. Affected: yes.
Comment: Not observed in large population cohorts (Lek et al., 2016); In silico analysis supports that this missense variant has a deleterious effect on protein structure/function; Has not been previously published as pathogenic or benign to our knowledge